The following is an entry in ClinVar:

NM_000441.2(SLC26A4):c.1594A>G (p.Ser532Gly)

Gene: SLC26A4 (solute carrier family 26 member 4; plus strand). Cytogenetic location: 7q22.3.
Variant type: single nucleotide variant.
Coding change: c.1594A>G on transcript NM_000441.2 (MANE Select); coding-DNA position 1594, A replaced by G.
Protein change: p.Ser532Gly; replaces serine 532 with glycine.
Molecular consequence: missense variant.
Genome position (GRCh38, 1-based): chr7:107,698,091, A>G. VCF-style: chr7-107698091-A-G. GRCh37 (hg19) VCF-style: chr7-107338536-A-G.
Other names: short protein forms S532G.
Identifiers: ClinVar variation 3251629 (VCV003251629.1), dbSNP rs2129317533.
Genomic context (GRCh38, chr7:107,698,091, plus strand): 5'-TTTTCTTCTAGTCCTTCTTGGAATGGCCTTGGAAGCATCCCTAGCACAGATATCTACAAA[A>G]GTACCAAGAATTACAAAAACGTAAGTACCTTTGTGAGACATTTGCTGGACTTGGGTTTAC-3'
Protein context (NP_000432.1, residues 522-542): GSIPSTDIYK[Ser532Gly]TKNYKNIEEP

ClinVar aggregate classification (germline): Uncertain significance (1 of 4 stars; one submission).

Submission:

Women's Health and Genetics/Laboratory Corporation of America, LabCorp
Classification: Uncertain significance. Last evaluated: 2024-04-01. Review status: criteria provided, single submitter. Criteria: LabCorp Variant Classification Summary - May 2015. Collection method: clinical testing. Allele origin: germline.
Comment: Variant summary: SLC26A4 c.1594A>G (p.Ser532Gly) results in a non-conservative amino acid change in the encoded protein sequence. Three of five in-silico tools predict a benign effect of the variant on protein function. The variant was absent in 251184 control chromosomes (gnomAD). The available data on variant occurrences in the general population are insufficient to allow any conclusion about variant significance. To our knowledge, no occurrence of c.1594A>G in individuals affected with Pendred Syndrome and no experimental evidence demonstrating its impact on protein function have been reported. No submitters have cited clinical-significance assessments for this variant to ClinVar. Based on the evidence outlined above, the variant was classified as uncertain significance.